The following is an entry in ClinVar:

NM_014845.6(FIG4):c.2415C>T (p.Asn805=)

Gene: FIG4 (FIG4 phosphoinositide 5-phosphatase; plus strand). Cytogenetic location: 6q21.
Variant type: single nucleotide variant.
Coding change: c.2415C>T on transcript NM_014845.6 (MANE Select); coding-DNA position 2415, C replaced by T.
Protein change: p.Asn805=; no amino-acid change (asparagine 805 retained).
Molecular consequence: synonymous variant.
Genome position (GRCh38, 1-based): chr6:109,792,620, C>T. VCF-style: chr6-109792620-C-T. GRCh37 (hg19) VCF-style: chr6-110113823-C-T.
Identifiers: ClinVar variation 2855392 (VCV002855392.4), dbSNP rs750990611, ClinGen allele CA3956391.

ClinVar aggregate classification (germline): Likely benign. Review status: criteria provided, single submitter (1 of 4 stars). 2 submissions from 2 submitters: Likely benign (1). 1 of the submissions does not count toward it. Last evaluated 2023-04-12.

Conditions:
FIG4-related disorder. Also called: FIG4-related disorders; FIG4-related condition.
Charcot-Marie-Tooth disease type 4. Also called: Charcot-Marie-Tooth disease, type IV; Charcot-Marie-Tooth, Type 4. Identifiers: Orphanet 64749, MedGen C4082197, MONDO:0018995.

Allele frequency attached by ClinVar (database versions not stated): gnomAD exomes below 0.00001; ExAC 0.00001.
gnomAD v4.1: 1 of 1,604,036 alleles (0.000062%); highest among the groups gnomAD compares: South Asian, 0.0011%; no homozygotes.

Submissions (2):

Labcorp Genetics (formerly Invitae), Labcorp
Classification: Likely benign for Charcot-Marie-Tooth disease type 4. Last evaluated: 2023-04-12. Review status: criteria provided, single submitter. Criteria: Invitae Variant Classification Sherloc (09022015). Collection method: clinical testing. Allele origin: germline.

PreventionGenetics, part of Exact Sciences
Classification: Likely benign for FIG4-related condition. Last evaluated: 2023-04-10. Review status: no assertion criteria provided. Collection method: clinical testing. Allele origin: germline. Not counted in ClinVar's aggregate classification.
Comment: This variant is classified as likely benign based on ACMG/AMP sequence variant interpretation guidelines (Richards et al. 2015 PMID: 25741868, with internal and published modifications).